The following is an entry in ClinVar:

ClinVar aggregate classification (germline): Likely benign. Review status: criteria provided, single submitter (1 of 4 stars). 2 submissions from 2 submitters: Likely benign (1). 1 of the submissions does not count toward it. Last evaluated 2023-01-17.

Conditions:
ITGB3-related disorder. Also called: ITGB3-related condition.

gnomAD v4.1: 3 of 1,305,652 alleles (0.00023%); highest among the groups gnomAD compares: Non-Finnish European, 0.00029%; no homozygotes.

Submissions (2):

Labcorp Genetics (formerly Invitae), Labcorp
Classification: Likely benign. Last evaluated: 2023-01-17. Review status: criteria provided, single submitter. Criteria: Invitae Variant Classification Sherloc (09022015). Collection method: clinical testing. Allele origin: germline.

PreventionGenetics, part of Exact Sciences
Classification: Likely benign for ITGB3-related condition. Last evaluated: 2019-07-11. Review status: no assertion criteria provided. Collection method: clinical testing. Allele origin: germline. Not counted in ClinVar's aggregate classification.
Comment: This variant is classified as likely benign based on ACMG/AMP sequence variant interpretation guidelines (Richards et al. 2015 PMID: 25741868, with internal and published modifications).

NM_000212.3(ITGB3):c.27G>A (p.Pro9=)

Gene: ITGB3 (integrin subunit beta 3; plus strand). Cytogenetic location: 17q21.32.
Variant type: single nucleotide variant.
Coding change: c.27G>A on transcript NM_000212.3 (MANE Select); coding-DNA position 27, G replaced by A.
Protein change: p.Pro9=; no amino-acid change (proline 9 retained).
Molecular consequence: synonymous variant.
Genome position (GRCh38, 1-based): chr17:47,253,888, G>A. VCF-style: chr17-47253888-G-A. GRCh37 (hg19) VCF-style: chr17-45331254-G-A.
Identifiers: ClinVar variation 2988732 (VCV002988732.5), dbSNP rs1268755118, ClinGen allele CA500438864.
Genomic context (GRCh38, chr17:47,253,888, plus strand): 5'-TGGGGCGGGCGGAGCGCCGCGGGAGGCGGACGAGATGCGAGCGCGGCCGCGGCCCCGGCC[G>A]CTCTGGGCGACTGTGCTGGCGCTGGGGGCGCTGGCGGGCGTTGGCGTAGGAGGTGAGTGA-3'
Protein context (NP_000203.2, residues 1-19): MRARPRPR[Pro9=]LWATVLALGA